The following is an entry in ClinVar:

ClinVar aggregate classification (germline): Uncertain significance (1 of 4 stars; one submission).

Conditions:
Congenital contractural arachnodactyly (CCA). Also called: Arthrogryposis, distal, type 9; BEALS SYNDROME; Beals-Hecht syndrome. Identifiers: Orphanet 115, MedGen C0220668, MONDO:0007363, OMIM 121050.

Submission:

Labcorp Genetics (formerly Invitae), Labcorp
Classification: Uncertain significance for Congenital contractural arachnodactyly. Last evaluated: 2024-08-28. Review status: criteria provided, single submitter. Criteria: Invitae Variant Classification Sherloc (09022015). Collection method: clinical testing. Allele origin: germline.
Comment: This sequence change replaces glycine, which is neutral and non-polar, with arginine, which is basic and polar, at codon 107 of the FBN2 protein (p.Gly107Arg). This variant is not present in population databases (gnomAD no frequency). This variant has not been reported in the literature in individuals affected with FBN2-related conditions. ClinVar contains an entry for this variant (Variation ID: 1052619). Invitae Evidence Modeling of protein sequence and biophysical properties (such as structural, functional, and spatial information, amino acid conservation, physicochemical variation, residue mobility, and thermodynamic stability) has been performed for this missense variant. However, the output from this modeling did not meet the statistical confidence thresholds required to predict the impact of this variant on FBN2 protein function. In summary, the available evidence is currently insufficient to determine the role of this variant in disease. Therefore, it has been classified as a Variant of Uncertain Significance.

NM_001999.4(FBN2):c.319G>A (p.Gly107Arg)

Gene: FBN2 (fibrillin 2; minus strand). Cytogenetic location: 5q23.3.
Variant type: single nucleotide variant.
Coding change: c.319G>A on transcript NM_001999.4 (MANE Select); coding-DNA position 319, G replaced by A.
Protein change: p.Gly107Arg; replaces glycine 107 with arginine.
Molecular consequence: missense variant.
Genome position (GRCh38, 1-based): chr5:128,536,420, C>T on the plus strand (G>A on the coding strand, the complement: FBN2 is on the minus strand). VCF-style: chr5-128536420-C-T. GRCh37 (hg19) VCF-style: chr5-127872113-C-T.
Other names: short protein forms G107R.
Identifiers: ClinVar variation 1052619 (VCV001052619.11), dbSNP rs2112809157, ClinGen allele CA360761251.